The following is an entry in ClinVar:

ClinVar aggregate classification (germline): Uncertain significance. Review status: criteria provided, multiple submitters, no conflicts (2 of 4 stars). 3 submissions from 3 submitters: Uncertain significance (3). Last evaluated 2025-03-04.

Allele frequency attached by ClinVar (database versions not stated): TOPMed 0.00001; gnomAD 0.00002.
gnomAD v4.1: 17 of 1,609,520 alleles (0.0011%); highest among the groups gnomAD compares: Non-Finnish European, 0.0013%; no homozygotes.

Submissions (3):

Center for Genomic Medicine, Rigshospitalet, Copenhagen University Hospital
Classification: Uncertain significance. Last evaluated: 2025-03-04. Review status: criteria provided, single submitter. Criteria: ACMG Guidelines, 2015. Collection method: clinical testing. Allele origin: germline.

Ambry Genetics
Classification: Uncertain significance. Last evaluated: 2024-12-16. Review status: criteria provided, single submitter. Criteria: Ambry Variant Classification Scheme 2023. Collection method: clinical testing. Allele origin: germline.
Comment: The p.S601T variant (also known as c.1801T>A), located in coding exon 8 of the RNF43 gene, results from a T to A substitution at nucleotide position 1801. The serine at codon 601 is replaced by threonine, an amino acid with similar properties. This amino acid position is conserved. In addition, this alteration is predicted to be tolerated by in silico analysis. Based on the available evidence, the clinical significance of this variant remains unclear.

Labcorp Genetics (formerly Invitae), Labcorp
Classification: Uncertain significance. Last evaluated: 2023-10-05. Review status: criteria provided, single submitter. Criteria: Invitae Variant Classification Sherloc (09022015). Collection method: clinical testing. Allele origin: germline.
Comment: This sequence change replaces serine, which is neutral and polar, with threonine, which is neutral and polar, at codon 601 of the RNF43 protein (p.Ser601Thr). This variant is present in population databases (rs751001722, gnomAD 0.006%). This variant has not been reported in the literature in individuals affected with RNF43-related conditions. ClinVar contains an entry for this variant (Variation ID: 1055395). An algorithm developed to predict the effect of missense changes on protein structure and function (PolyPhen-2) suggests that this variant is likely to be tolerated. In summary, the available evidence is currently insufficient to determine the role of this variant in disease. Therefore, it has been classified as a Variant of Uncertain Significance.

NM_017763.6(RNF43):c.1801T>A (p.Ser601Thr)

Gene: RNF43 (ring finger protein 43; minus strand). Cytogenetic location: 17q22.
Variant type: single nucleotide variant.
Coding change: c.1801T>A on transcript NM_017763.6 (MANE Select); coding-DNA position 1801, T replaced by A.
Protein change: p.Ser601Thr; replaces serine 601 with threonine.
Molecular consequence: missense variant.
Genome position (GRCh38, 1-based): chr17:58,357,975, A>T on the plus strand (T>A on the coding strand, the complement: RNF43 is on the minus strand). VCF-style: chr17-58357975-A-T. GRCh37 (hg19) VCF-style: chr17-56435336-A-T.
Other names: c.1801T>A (NM_017763.4); c.1801T>A, p.Ser601Thr (NM_001305544.3); c.1420T>A, p.Ser474Thr (NM_001305545.2); short protein forms S474T, S601T.
Identifiers: ClinVar variation 1055395 (VCV001055395.14), dbSNP rs751001722, ClinGen allele CA8673112.